The following is an entry in ClinVar:

ClinVar aggregate classification (germline): Uncertain significance (1 of 4 stars; one submission).

Conditions:
Noonan syndrome 9 (NS9). Identifiers: Orphanet 648, MedGen C4225282, MONDO:0014691, OMIM 616559.

Submission:

Labcorp Genetics (formerly Invitae), Labcorp
Classification: Uncertain significance for Noonan syndrome 9. Last evaluated: 2025-02-05. Review status: criteria provided, single submitter. Criteria: Invitae Variant Classification Sherloc (09022015). Collection method: clinical testing. Allele origin: germline.
Comment: This sequence change creates a premature translational stop signal (p.Pro237Leufs*17) in the SOS2 gene. It is expected to result in an absent or disrupted protein product. However, the current clinical and genetic evidence is not sufficient to establish whether loss-of-function variants in SOS2 cause disease. This variant is not present in population databases (gnomAD no frequency). This variant has not been reported in the literature in individuals affected with SOS2-related conditions. ClinVar contains an entry for this variant (Variation ID: 1514208). In summary, the available evidence is currently insufficient to determine the role of this variant in disease. Therefore, it has been classified as a Variant of Uncertain Significance.

NM_006939.4(SOS2):c.710del (p.Pro237fs)

Gene: SOS2 (SOS Ras/Rho guanine nucleotide exchange factor 2; minus strand). Cytogenetic location: 14q21.3.
Variant type: Deletion.
Coding change: c.710del on transcript NM_006939.4 (MANE Select); coding-DNA position 710, one base deleted (C; older notation c.710delC).
Protein change: p.Pro237fs; shifts the reading frame from proline 237.
Molecular consequence: frameshift variant.
Genome position (GRCh38, 1-based): chr14:50,188,501, G deleted on the plus strand (C on the coding strand, the reverse complement: SOS2 is on the minus strand); the first of 2 consecutive G bases (chr14:50,188,501-50,188,502); deleting either gives the same sequence. VCF-style (leftmost placement, unchanged base first): chr14-50188500-AG-A. GRCh37 (hg19) VCF-style: chr14-50655218-AG-A.
Other names: short protein forms P237fs.
Identifiers: ClinVar variation 1514208 (VCV001514208.6), dbSNP rs2139733738, ClinGen allele CA2573149926.